The following is an entry in ClinVar:

NM_007194.4(CHEK2):c.1285G>A (p.Glu429Lys)

Gene: CHEK2 (checkpoint kinase 2; minus strand). Cytogenetic location: 22q12.1.
Variant type: single nucleotide variant.
Coding change: c.1285G>A on transcript NM_007194.4 (MANE Select); coding-DNA position 1285, G replaced by A.
Protein change: p.Glu429Lys; replaces glutamic acid 429 with lysine.
Molecular consequence: missense variant.
Genome position (GRCh38, 1-based): chr22:28,695,217, C>T on the plus strand (G>A on the coding strand, the complement: CHEK2 is on the minus strand). VCF-style: chr22-28695217-C-T. GRCh37 (hg19) VCF-style: chr22-29091205-C-T.
Other names: c.1414G>A, p.Glu472Lys (NM_001005735.3); c.622G>A, p.Glu208Lys (NM_001257387.3); c.1084G>A, p.Glu362Lys (NM_001349956.3); c.1198G>A, p.Glu400Lys (NM_145862.3); short protein forms E429K, E400K, E472K, E208K, E362K.
Identifiers: ClinVar variation 421299 (VCV000421299.22), dbSNP rs1064795041, ClinGen allele CA16621049.

ClinVar aggregate classification (germline): Uncertain significance. Review status: criteria provided, multiple submitters, no conflicts (2 of 4 stars). 5 submissions from 5 submitters: Uncertain significance (5). Last evaluated 2026-07-21.

Conditions:
Hereditary cancer-predisposing syndrome. Also called: Neoplastic Syndromes, Hereditary; Tumor predisposition; Hereditary Cancer Syndrome; Hereditary neoplastic syndrome. Identifiers: Orphanet 140162, MedGen C0027672, MeSH D009386, MONDO:0015356.
Familial cancer of breast. Also called: BREAST CANCER, FAMILIAL; hereditary breast carcinoma; Hereditary breast cancer. Identifiers: Orphanet 227535, MedGen C0346153, MONDO:0016419, OMIM 114480. Disease mechanism: loss of function.
CHEK2-related cancer predisposition (TPDS4). Also called: CANCER PREDISPOSITION SYNDROME, CHEK2-RELATED; CHEK2-related cancer susceptibility; TUMOR PREDISPOSITION SYNDROME 4. Identifiers: Orphanet 524, MedGen C5882668, MONDO:0700271, OMIM 609265.

Allele frequency attached by ClinVar (database versions not stated): gnomAD exomes below 0.00001 and 0.00001.
gnomAD v4.1: 3 of 1,611,556 alleles (0.00019%); highest among the groups gnomAD compares: Non-Finnish European, 0.00025%; no homozygotes.

Submissions (5):

Hema, HEMA – Genetic and Molecular Diagnostic Laboratory
Classification: Uncertain significance for CHEK2-related cancer predisposition. Last evaluated: 2026-07-21. Review status: criteria provided, single submitter. Criteria: HEMA Variant Classification Assertion Criteria. Collection method: clinical testing. Allele origin: germline.
Comment: The c.1285G>A p.(Glu429Lys) variant is a transition from cytosine to thymine that results in the substitution of glutamic acid 429 by lysine in the CHEK2 protein. PM2_Supporting: Present at very low frequency in the gnomAD v4.1.1 database. PP3: According to the splicing predictor SpliceAI, the variant affects splicing (gain of acceptor score = 0.68 ≥ 0.2).

Ambry Genetics
Classification: Uncertain significance for Hereditary cancer-predisposing syndrome. Last evaluated: 2025-11-26. Review status: criteria provided, single submitter. Criteria: Ambry Variant Classification Scheme 2023. Collection method: clinical testing. Allele origin: germline.
Comment: The p.E429K variant (also known as c.1285G>A), located in coding exon 11 of the CHEK2 gene, results from a G to A substitution at nucleotide position 1285. The glutamic acid at codon 429 is replaced by lysine, an amino acid with similar properties. In silico splice site analysis predicts that this alteration will result in the creation or strengthening of a novel splice acceptor site. RNA studies have demonstrated that this alteration does not result in abnormal splicing in the set of samples tested (Ambry internal data). This amino acid position is highly conserved in available vertebrate species. In addition, the in silico prediction for this alteration is inconclusive. Since supporting evidence is limited at this time, the clinical significance of this alteration remains unclear.

Labcorp Genetics (formerly Invitae), Labcorp
Classification: Uncertain significance for Familial cancer of breast. Last evaluated: 2024-10-03. Review status: criteria provided, single submitter. Criteria: Invitae Variant Classification Sherloc (09022015). Collection method: clinical testing. Allele origin: germline.
Comment: This sequence change replaces glutamic acid, which is acidic and polar, with lysine, which is basic and polar, at codon 429 of the CHEK2 protein (p.Glu429Lys). This variant is not present in population databases (gnomAD no frequency). This variant has not been reported in the literature in individuals affected with CHEK2-related conditions. ClinVar contains an entry for this variant (Variation ID: 421299). An algorithm developed to predict the effect of missense changes on protein structure and function (PolyPhen-2) suggests that this variant is likely to be tolerated. RNA analysis performed to evaluate the impact of this missense change on mRNA splicing indicates it does not significantly alter splicing (internal data). In summary, the available evidence is currently insufficient to determine the role of this variant in disease. Therefore, it has been classified as a Variant of Uncertain Significance.

GeneDx
Classification: Uncertain significance. Last evaluated: 2024-04-05. Review status: criteria provided, single submitter. Criteria: GeneDx Variant Classification Process June 2021. Collection method: clinical testing. Allele origin: germline. Affected: yes.
Comment: Not observed at significant frequency in large population cohorts (gnomAD); In silico analysis supports a deleterious effect on splicing; In silico analysis indicates that this missense variant does not alter protein structure/function; Has not been previously published as pathogenic or benign to our knowledge; This variant is associated with the following publications: (PMID: 22419737, 19782031)

Color Diagnostics, LLC DBA Color Health
Classification: Uncertain significance for Hereditary cancer-predisposing syndrome. Last evaluated: 2024-03-06. Review status: criteria provided, single submitter. Criteria: ACMG Guidelines, 2015. Collection method: clinical testing. Allele origin: germline.
Comment: This missense variant replaces glutamic acid with lysine at codon 429 of the CHEK2 protein. Computational prediction suggests that this variant may not impact protein structure and function (internally defined REVEL score threshold <= 0.5, PMID: 27666373). Splice site prediction tools suggest that this variant may not impact RNA splicing. To our knowledge, functional studies have not been performed for this variant. This variant has not been reported in individuals affected with hereditary cancer in the literature. This variant has been identified in 1/250818 chromosomes in the general population by the Genome Aggregation Database (gnomAD). The available evidence is insufficient to determine the role of this variant in disease conclusively. Therefore, this variant is classified as a Variant of Uncertain Significance.